The following is an entry in ClinVar:

NM_001035.3(RYR2):c.8666C>T (p.Ala2889Val)

Gene: RYR2 (ryanodine receptor 2; plus strand). Cytogenetic location: 1q43.
Variant type: single nucleotide variant.
Coding change: c.8666C>T on transcript NM_001035.3 (MANE Select); coding-DNA position 8666, C replaced by T.
Protein change: p.Ala2889Val; replaces alanine 2889 with valine.
Molecular consequence: missense variant.
Genome position (GRCh38, 1-based): chr1:237,674,171, C>T. VCF-style: chr1-237674171-C-T. GRCh37 (hg19) VCF-style: chr1-237837471-C-T.
Other names: short protein forms A2889V.
Identifiers: ClinVar variation 4756534 (VCV004756534.1).

ClinVar aggregate classification (germline): Uncertain significance (1 of 4 stars; one submission).

Conditions:
Cardiomyopathy (CMYO). Also called: Cardiomyopathies. Identifiers: Orphanet 167848, MedGen C0878544, MONDO:0004994, HP:0001638. Inheritance: Various modes of inheritance.

gnomAD v4.1: 2 of 1,612,416 alleles (0.00012%); highest among the groups gnomAD compares: Admixed American, 0.0033%; no homozygotes.

Submission:

Color Diagnostics, LLC DBA Color Health
Classification: Uncertain significance for Cardiomyopathy. Last evaluated: 2025-09-22. Review status: criteria provided, single submitter. Criteria: ACMG Guidelines, 2015. Collection method: clinical testing. Allele origin: germline.
Comment: This missense variant replaces alanine with valine at codon 2889 of the RYR2 protein. Computational prediction suggests that this variant may have deleterious impact on protein structure and function. To our knowledge, functional studies have not been reported for this variant. This variant has not been reported in individuals affected with RYR2-related disorders in the literature. This variant has not been identified in the general population by the Genome Aggregation Database (gnomAD). The available evidence is insufficient to determine the role of this variant in disease conclusively. Therefore, this variant is classified as a Variant of Uncertain Significance.